The following is an entry in ClinVar:

ClinVar aggregate classification (germline): Pathogenic (1 of 4 stars; one submission).

Submission:

Labcorp Genetics (formerly Invitae), Labcorp
Classification: Pathogenic. Last evaluated: 2025-10-02. Review status: criteria provided, single submitter. Criteria: Invitae Variant Classification Sherloc (09022015). Collection method: clinical testing. Allele origin: germline.
Comment: This sequence change creates a premature translational stop signal (p.Gln63Profs*34) in the RORB gene. It is expected to result in an absent or disrupted protein product. Loss-of-function variants in RORB are known to be pathogenic (PMID: 27352968, 32162308, 38165337). This variant is not present in population databases (gnomAD no frequency). This variant has not been reported in the literature in individuals affected with RORB-related conditions. For these reasons, this variant has been classified as Pathogenic.

Literature cited by the submitters: PubMed 27352968; PubMed 32162308; PubMed 38165337.

NM_006914.4(RORB):c.187dup (p.Gln63fs)

Gene: RORB (RAR related orphan receptor B; plus strand). Cytogenetic location: 9q21.13.
Variant type: Duplication.
Coding change: c.187dup on transcript NM_006914.4 (MANE Select); coding-DNA position 187, one base duplicated (C; older notation c.187dupC).
Protein change: p.Gln63fs; shifts the reading frame from glutamine 63.
Molecular consequence: frameshift variant.
Genome position (GRCh38, 1-based): chr9:74,634,724, C duplicated; the last of 2 consecutive C bases (chr9:74,634,723-74,634,724); duplicating either gives the same sequence. VCF-style (leftmost placement, unchanged base first): chr9-74634722-G-GC. GRCh37 (hg19) VCF-style: chr9-77249638-G-GC.
Other names: c.220dup, p.Gln74fs (NM_001365023.1); short protein forms Q74fs, Q63fs.
Identifiers: ClinVar variation 4728338 (VCV004728338.1).